The following is an entry in ClinVar:

ClinVar aggregate classification (germline): Uncertain significance. Review status: criteria provided, multiple submitters, no conflicts (2 of 4 stars). 3 submissions from 3 submitters: Uncertain significance (3). Last evaluated 2025-07-15.

Conditions:
Age related macular degeneration 1 (ARMD1). Also called: MACULOPATHY, AGE-RELATED, 1. Identifiers: MedGen C1864205, MONDO:0011285, OMIM 603075.

Allele frequency attached by ClinVar (database versions not stated): 1000 Genomes Project 0.00020; 1000 Genomes Project 30x 0.00031.
gnomAD v4.1: 15 of 1,613,716 alleles (0.00093%); highest among the groups gnomAD compares: Admixed American, 0.022%; no homozygotes.

Submissions (3):

Labcorp Genetics (formerly Invitae), Labcorp
Classification: Uncertain significance. Last evaluated: 2025-07-15. Review status: criteria provided, single submitter. Criteria: Invitae Variant Classification Sherloc (09022015). Collection method: clinical testing. Allele origin: germline.
Comment: This sequence change replaces alanine, which is neutral and non-polar, with glycine, which is neutral and non-polar, at codon 3468 of the HMCN1 protein (p.Ala3468Gly). This variant is present in population databases (rs201041141, gnomAD 0.04%). This variant has not been reported in the literature in individuals affected with HMCN1-related conditions. ClinVar contains an entry for this variant (Variation ID: 1404200). An algorithm developed to predict the effect of missense changes on protein structure and function (PolyPhen-2) suggests that this variant is likely to be tolerated. In summary, the available evidence is currently insufficient to determine the role of this variant in disease. Therefore, it has been classified as a Variant of Uncertain Significance.

Genome-Nilou Lab
Classification: Uncertain significance for Age related macular degeneration 1. Last evaluated: 2023-04-11. Review status: criteria provided, single submitter. Criteria: ACMG Guidelines, 2015. Collection method: clinical testing. Allele origin: germline. Affected: no.

Ambry Genetics
Classification: Uncertain significance. Last evaluated: 2021-07-20. Review status: criteria provided, single submitter. Criteria: Ambry Variant Classification Scheme 2023. Collection method: clinical testing. Allele origin: germline.

NM_031935.3(HMCN1):c.10403C>G (p.Ala3468Gly)

Gene: HMCN1 (hemicentin 1; plus strand). Cytogenetic location: 1q31.1.
Variant type: single nucleotide variant.
Coding change: c.10403C>G on transcript NM_031935.3 (MANE Select); coding-DNA position 10403, C replaced by G.
Protein change: p.Ala3468Gly; replaces alanine 3468 with glycine.
Molecular consequence: missense variant.
Genome position (GRCh38, 1-based): chr1:186,095,351, C>G. VCF-style: chr1-186095351-C-G. GRCh37 (hg19) VCF-style: chr1-186064483-C-G.
Other names: c.10403C>G (NM_031935.2); short protein forms A3468G.
Identifiers: ClinVar variation 1404200 (VCV001404200.7), dbSNP rs201041141, ClinGen allele CA1293720.
Genomic context (GRCh38, chr1:186,095,351, plus strand): 5'-TCAAAGGTAGTTCCACCTCTATGGCATGCATTACTGATGGAACCCCAGCTCCCAGTATGG[C>G]CTGGCTTAGAGATGGCCAGCCTCTGGGGCTTGATGCCCATCTGACAGTCAGCACCCATGG-3'
Protein context (NP_114141.2, residues 3458-3478): ITDGTPAPSM[Ala3468Gly]WLRDGQPLGL